The following is an entry in ClinVar:

NM_203447.4(DOCK8):c.3747A>G (p.Gln1249=)

Gene: DOCK8 (dedicator of cytokinesis 8; plus strand). Cytogenetic location: 9p24.3.
Variant type: single nucleotide variant.
Coding change: c.3747A>G on transcript NM_203447.4 (MANE Select); coding-DNA position 3747, A replaced by G.
Protein change: p.Gln1249=; no amino-acid change (glutamine 1249 retained).
Molecular consequence: synonymous variant.
Genome position (GRCh38, 1-based): chr9:418,114, A>G. VCF-style: chr9-418114-A-G. GRCh37 (hg19) VCF-style: chr9-418114-A-G.
Other names: c.3447A>G, p.Gln1149= (NM_001190458.2); c.3543A>G, p.Gln1181= (NM_001193536.2).
Identifiers: ClinVar variation 1879727 (VCV001879727.31), dbSNP rs2538771275, ClinGen allele CA463692386.
Genomic context (GRCh38, chr9:418,114, plus strand): 5'-TGTTTTCATTGCAGTTGCAGATACTCGCAGATACCGCACCAGTGGCTCGGATGAAGAACA[A>G]GAAGGAGCCGGTGCCATTAACCAGAATGTGGCTCTGGCCATAGCAGGGAATAATTTCAAT-3'
Protein context (NP_982272.2, residues 1239-1259): RYRTSGSDEE[Gln1249=]EGAGAINQNV

ClinVar aggregate classification (germline): Likely benign. Review status: criteria provided, multiple submitters, no conflicts (2 of 4 stars). 2 submissions from 2 submitters: Likely benign (2). Last evaluated 2025-05-27.

Conditions:
Combined immunodeficiency due to DOCK8 deficiency (HIES2). Also called: HIES autosomal recessive; HYPER-IgE SYNDROME 2, AUTOSOMAL RECESSIVE, WITH RECURRENT INFECTIONS; DOCK8 Deficiency; Hyper-IgE recurrent infection syndrome, autosomal recessive; HYPER-IgE RECURRENT INFECTION SYNDROME 2, AUTOSOMAL RECESSIVE. Identifiers: Orphanet 217390, MedGen C4722305, MONDO:0009478, OMIM 243700.

Allele frequency attached by ClinVar (database versions not stated): gnomAD exomes below 0.00001.
gnomAD v4.1: 7 of 1,614,248 alleles (0.00043%); highest among the groups gnomAD compares: South Asian, 0.0011%; no homozygotes.

Submissions (2):

Labcorp Genetics (formerly Invitae), Labcorp
Classification: Likely benign for Combined immunodeficiency due to DOCK8 deficiency. Last evaluated: 2025-05-27. Review status: criteria provided, single submitter. Criteria: Invitae Variant Classification Sherloc (09022015). Collection method: clinical testing. Allele origin: germline.

CeGaT Center for Human Genetics Tuebingen
Classification: Likely benign. Last evaluated: 2023-05-01. Review status: criteria provided, single submitter. Criteria: CeGaT Center For Human Genetics Tuebingen Variant Classification Criteria Version 2. Collection method: clinical testing. Allele origin: germline. Affected: yes. Observed: 1 variant allele.
Comment: DOCK8: PM2:Supporting, BP4, BP7